The following is an entry in ClinVar:

ClinVar aggregate classification (germline): Uncertain significance (1 of 4 stars; one submission).

Allele frequency attached by ClinVar (database versions not stated): TOPMed 0.00001.
gnomAD v4.1: 2 of 1,614,188 alleles (0.00012%); highest among the groups gnomAD compares: Admixed American, 0.0017%; no homozygotes.

Submission:

Labcorp Genetics (formerly Invitae), Labcorp
Classification: Uncertain significance. Last evaluated: 2021-11-02. Review status: criteria provided, single submitter. Criteria: Invitae Variant Classification Sherloc (09022015). Collection method: clinical testing. Allele origin: germline.
Comment: Algorithms developed to predict the effect of sequence changes on RNA splicing suggest that this variant may create or strengthen a splice site. This variant has not been reported in the literature in individuals affected with TRPM1-related conditions. Algorithms developed to predict the effect of missense changes on protein structure and function are either unavailable or do not agree on the potential impact of this missense change (SIFT: "Deleterious"; PolyPhen-2: "Probably Damaging"; Align-GVGD: "Class C0"). This variant is present in population databases (no rsID available, gnomAD 0.003%). In summary, the available evidence is currently insufficient to determine the role of this variant in disease. Therefore, it has been classified as a Variant of Uncertain Significance. This sequence change replaces arginine, which is basic and polar, with glutamine, which is neutral and polar, at codon 551 of the TRPM1 protein (p.Arg551Gln).

NM_001252024.2(TRPM1):c.1718G>A (p.Arg573Gln)

Gene: TRPM1 (transient receptor potential cation channel subfamily M member 1; minus strand). Cytogenetic location: 15q13.3.
Variant type: single nucleotide variant.
Coding change: c.1718G>A on transcript NM_001252024.2 (MANE Select); coding-DNA position 1718, G replaced by A.
Protein change: p.Arg573Gln; replaces arginine 573 with glutamine.
Molecular consequence: missense variant.
Genome position (GRCh38, 1-based): chr15:31,047,157, C>T on the plus strand (G>A on the coding strand, the complement: TRPM1 is on the minus strand). VCF-style: chr15-31047157-C-T. GRCh37 (hg19) VCF-style: chr15-31339360-C-T.
Other names: c.1769G>A, p.Arg590Gln (NM_001252020.2); c.1652G>A, p.Arg551Gln (NM_002420.6); short protein forms R551Q, R573Q, R590Q.
Identifiers: ClinVar variation 1427150 (VCV001427150.6), dbSNP rs1418325776, ClinGen allele CA391515075.